The following is an entry in ClinVar:

GRCh38/hg38 22q11.21(chr22:18339130-20343532)x1

Genes: ARVCF (ARVCF delta catenin family member; minus strand), C22orf39 (chromosome 22 open reading frame 39; minus strand), CCDC188 (coiled-coil domain containing 188; minus strand), CDC45 (cell division cycle 45; plus strand), CLDN5 (claudin 5; minus strand) and 118 more. Cytogenetic location: 22q11.21.
Variant type: copy number loss.
Change: copy number 1 (one copy instead of two) of chr22:18,339,130-20,343,532 (2.00 Mb, GRCh38 coordinates, 1-based), cytogenetic band 22q11.21.
Identifiers: ClinVar variation 161087 (VCV000161087.2).

ClinVar aggregate classification (germline): Pathogenic (1 of 4 stars; one submission).

Submission:

ISCA Site 6
Classification: Pathogenic. Last evaluated: 2011-08-12. Review status: criteria provided, single submitter. Criteria: Kaminsky et al. (Genet Med. 2011). Collection method: clinical testing. Allele origin: de novo. Affected: yes. Observed: 1 variant allele.
Comment: Copy number variation identified through the course of routine clinical cytogenomic testing in postnatal populations. Clinical assertions have been curated as described in Kaminsky et al. 2011.